The following is an entry in ClinVar:

ClinVar aggregate classification (germline): Likely benign (1 of 4 stars; one submission).

Submission:

CeGaT Center for Human Genetics Tuebingen
Classification: Likely benign. Last evaluated: 2022-12-01. Review status: criteria provided, single submitter. Criteria: CeGaT Center For Human Genetics Tuebingen Variant Classification Criteria Version 2. Collection method: clinical testing. Allele origin: germline. Affected: yes. Observed: 1 variant allele.
Comment: PDZD4: PM2:Supporting, BP4, BP7

NM_001303512.2(PDZD4):c.2214G>A (p.Arg738=)

Gene: PDZD4 (PDZ domain containing 4; minus strand). Cytogenetic location: Xq28.
Variant type: single nucleotide variant.
Coding change: c.2214G>A on transcript NM_001303512.2 (MANE Select); coding-DNA position 2214, G replaced by A.
Protein change: p.Arg738=; no amino-acid change (arginine 738 retained).
Molecular consequence: synonymous variant.
Genome position (GRCh38, 1-based): chrX:153,803,467, C>T on the plus strand (G>A on the coding strand, the complement: PDZD4 is on the minus strand). VCF-style: chrX-153803467-C-T. GRCh37 (hg19) VCF-style: chrX-153068922-C-T.
Other names: c.1908G>A, p.Arg636= (NM_001303513.3); c.1869G>A, p.Arg623= (NM_001303514.2); c.1971G>A, p.Arg657= (NM_001303515.2); c.1953G>A, p.Arg651= (NM_001303516.2); c.2196G>A, p.Arg732= (NM_032512.5).
Identifiers: ClinVar variation 2661735 (VCV002661735.24), dbSNP rs2092187995, ClinGen allele CA519349261.